The following is an entry in ClinVar:

ClinVar aggregate classification (germline): Benign. Review status: criteria provided, multiple submitters, no conflicts (2 of 4 stars). 3 submissions from 3 submitters: Benign (2). 1 of the submissions does not count toward it. Last evaluated 2017-07-31.

Conditions:
ZCCHC13-related disorder. Also called: ZCCHC13-related condition.

Allele frequency attached by ClinVar (database versions not stated): gnomAD 0.01705 and 0.01605; 1000 Genomes Project 0.01775; ESP Exome Variant Server 0.02016; gnomAD exomes 0.00456 and 0.00152; ExAC 0.00610; TOPMed 0.01800; 1000 Genomes Project 30x 0.01977.
gnomAD v4.1: 3,575 of 1,210,621 alleles (0.3%); highest among the groups gnomAD compares: African/African-American, 5.4%; 77 homozygotes.

Submissions (3):

Labcorp Genetics (formerly Invitae), Labcorp
Classification: Benign. Last evaluated: 2017-07-31. Review status: criteria provided, single submitter. Criteria: Invitae Variant Classification Sherloc (09022015). Collection method: clinical testing. Allele origin: germline.

Breakthrough Genomics
Classification: Benign. Review status: criteria provided, single submitter. Criteria: ACMG Guidelines, 2015. Collection method: not provided. Allele origin: germline. Inheritance: Unknown mechanism. Affected: yes.

PreventionGenetics, part of Exact Sciences
Classification: Benign for ZCCHC13-related condition. Last evaluated: 2019-07-11. Review status: no assertion criteria provided. Collection method: clinical testing. Allele origin: germline. Not counted in ClinVar's aggregate classification.
Comment: This variant is classified as benign based on ACMG/AMP sequence variant interpretation guidelines (Richards et al. 2015 PMID: 25741868, with internal and published modifications).

NM_203303.3(ZCCHC13):c.103G>A (p.Gly35Ser)

Gene: ZCCHC13 (zinc finger CCHC-type containing 13; plus strand). Cytogenetic location: Xq13.2.
Variant type: single nucleotide variant.
Coding change: c.103G>A on transcript NM_203303.3 (MANE Select); coding-DNA position 103, G replaced by A.
Protein change: p.Gly35Ser; replaces glycine 35 with serine.
Molecular consequence: missense variant.
Genome position (GRCh38, 1-based): chrX:74,304,369, G>A. VCF-style: chrX-74304369-G-A. GRCh37 (hg19) VCF-style: chrX-73524204-G-A.
Other names: short protein forms G35S.
Identifiers: ClinVar variation 787160 (VCV000787160.6), dbSNP rs141192529, ClinGen allele CA10454249.